The following is an entry in ClinVar:

NM_000245.4(MET):c.2461T>A (p.Phe821Ile)

Gene: MET (MET proto-oncogene, receptor tyrosine kinase; plus strand). Cytogenetic location: 7q31.2.
Variant type: single nucleotide variant.
Coding change: c.2461T>A on transcript NM_000245.4 (MANE Select); coding-DNA position 2461, T replaced by A.
Protein change: p.Phe821Ile; replaces phenylalanine 821 with isoleucine.
Molecular consequence: missense variant.
Genome position (GRCh38, 1-based): chr7:116,763,146, T>A. VCF-style: chr7-116763146-T-A. GRCh37 (hg19) VCF-style: chr7-116403200-T-A.
Other names: c.2515T>A, p.Phe839Ile (NM_001127500.3); c.2461T>A, p.Phe821Ile (NM_001324401.3); c.1171T>A, p.Phe391Ile (NM_001324402.2); short protein forms F839I, F391I, F821I.
Identifiers: ClinVar variation 1995392 (VCV001995392.4), dbSNP rs1794465668, ClinGen allele CA368983288.

ClinVar aggregate classification (germline): Uncertain significance (1 of 4 stars; one submission).

Conditions:
Renal cell carcinoma. Identifiers: Orphanet 217071, MedGen C0007134, MeSH D002292, MONDO:0005086, HP:0005584.

Submission:

Labcorp Genetics (formerly Invitae), Labcorp
Classification: Uncertain significance for Renal cell carcinoma. Last evaluated: 2022-05-17. Review status: criteria provided, single submitter. Criteria: Invitae Variant Classification Sherloc (09022015). Collection method: clinical testing. Allele origin: germline.
Comment: This sequence change replaces phenylalanine, which is neutral and non-polar, with isoleucine, which is neutral and non-polar, at codon 839 of the MET protein (p.Phe839Ile). This variant is not present in population databases (gnomAD no frequency). This variant has not been reported in the literature in individuals affected with MET-related conditions. Algorithms developed to predict the effect of missense changes on protein structure and function are either unavailable or do not agree on the potential impact of this missense change (SIFT: "Deleterious"; PolyPhen-2: "Probably Damaging"; Align-GVGD: "Class C0"). In summary, the available evidence is currently insufficient to determine the role of this variant in disease. Therefore, it has been classified as a Variant of Uncertain Significance.